The following is an entry in ClinVar:

NM_001165963.4(SCN1A):c.5693del (p.Pro1898fs)

Genes: SCN1A (sodium voltage-gated channel alpha subunit 1; minus strand), LOC102724058 (uncharacterized LOC102724058; plus strand). Cytogenetic location: 2q24.3.
Variant type: Deletion.
Coding change: c.5693del on transcript NM_001165963.4 (MANE Select); coding-DNA position 5693, one base deleted (C; older notation c.5693delC).
Protein change: p.Pro1898fs; shifts the reading frame from proline 1898.
Molecular consequence: frameshift variant. On other transcripts: non-coding transcript variant (1).
Genome position (GRCh38, 1-based): chr2:165,991,582, G deleted on the plus strand (C on the coding strand, the reverse complement: SCN1A is on the minus strand); the first of 2 consecutive G bases (chr2:165,991,582-165,991,583); deleting either gives the same sequence. VCF-style (leftmost placement, unchanged base first): chr2-165991581-AG-A. GRCh37 (hg19) VCF-style: chr2-166848091-AG-A.
Other names: c.5609del, p.Pro1870fs (NM_001165964.3, NM_001353957.2, NM_001353958.2); c.5693del, p.Pro1898fs (NM_001202435.3, NM_001353948.2); c.5660del, p.Pro1887fs (NM_001353949.2, NM_001353950.2, NM_001353951.2 and 2 more transcripts); c.5657del, p.Pro1886fs (NM_001353954.2, NM_001353955.2); c.5606del, p.Pro1869fs (NM_001353960.2); c.3251del, p.Pro1084fs (NM_001353961.2); short protein forms P1084fs, P1869fs, P1870fs, P1886fs, P1887fs, P1898fs.
Identifiers: ClinVar variation 5016691 (VCV005016691.1).

ClinVar aggregate classification (germline): Pathogenic (1 of 4 stars; one submission).

Submission:

GeneDx
Classification: Pathogenic. Last evaluated: 2026-03-27. Review status: criteria provided, single submitter. Criteria: GeneDx Variant Classification Process June 2021. Collection method: clinical testing. Allele origin: germline.
Comment: Frameshift variant predicted to result in abnormal protein length as the last 112 amino acid(s) are replaced with 12 different amino acid(s); Not observed at significant frequency in large population cohorts (gnomAD); This variant is associated with the following publications: (PMID: 29314583)